The following is an entry in ClinVar:

ClinVar aggregate classification (germline): Uncertain significance (1 of 4 stars; one submission).

Conditions:
Neurofibromatosis, type 1 (NF1). Also called: Peripheral type neurofibromatosis; Neurofibromatosis, type I; VON RECKLINGHAUSEN DISEASE; NEUROFIBROMATOSIS, TYPE I, SOMATIC. Identifiers: Orphanet 636, MedGen C0027831, MONDO:0018975, OMIM 162200. Disease mechanism: loss of function.

Submission:

Labcorp Genetics (formerly Invitae), Labcorp
Classification: Uncertain significance for Neurofibromatosis, type 1. Last evaluated: 2022-02-04. Review status: criteria provided, single submitter. Criteria: Invitae Variant Classification Sherloc (09022015). Collection method: clinical testing. Allele origin: germline.
Comment: In summary, the available evidence is currently insufficient to determine the role of this variant in disease. Therefore, it has been classified as a Variant of Uncertain Significance. Advanced modeling of protein sequence and biophysical properties (such as structural, functional, and spatial information, amino acid conservation, physicochemical variation, residue mobility, and thermodynamic stability) performed at Invitae indicates that this missense variant is expected to disrupt NF1 protein function. ClinVar contains an entry for this variant (Variation ID: 1054714). This variant has not been reported in the literature in individuals affected with NF1-related conditions. This variant is not present in population databases (gnomAD no frequency). This sequence change replaces lysine, which is basic and polar, with glutamic acid, which is acidic and polar, at codon 2574 of the NF1 protein (p.Lys2574Glu).

NM_001042492.3(NF1):c.7783A>G (p.Lys2595Glu)

Gene: NF1 (neurofibromin 1; plus strand). Cytogenetic location: 17q11.2.
Variant type: single nucleotide variant.
Coding change: c.7783A>G on transcript NM_001042492.3 (MANE Select); coding-DNA position 7783, A replaced by G.
Protein change: p.Lys2595Glu; replaces lysine 2595 with glutamic acid.
Molecular consequence: missense variant.
Genome position (GRCh38, 1-based): chr17:31,357,004, A>G. VCF-style: chr17-31357004-A-G. GRCh37 (hg19) VCF-style: chr17-29684022-A-G.
Other names: c.7720A>G, p.Lys2574Glu (NM_000267.4); short protein forms K2574E, K2595E.
Identifiers: ClinVar variation 1054714 (VCV001054714.5), dbSNP rs2151582291, ClinGen allele CA399018451.